The following is an entry in ClinVar:

NM_012179.4(FBXO7):c.544dup (p.Ser182fs)

Gene: FBXO7 (F-box protein 7; plus strand). Cytogenetic location: 22q12.3.
Variant type: Duplication.
Coding change: c.544dup on transcript NM_012179.4 (MANE Select); coding-DNA position 544, one base duplicated (T; older notation c.544dupT).
Protein change: p.Ser182fs; shifts the reading frame from serine 182.
Molecular consequence: frameshift variant.
Genome position (GRCh38, 1-based): chr22:32,484,023, T duplicated; the last of 2 consecutive T bases (chr22:32,484,022-32,484,023); duplicating either gives the same sequence. VCF-style (leftmost placement, unchanged base first): chr22-32484021-A-AT. GRCh37 (hg19) VCF-style: chr22-32880008-A-AT.
Other names: c.307dup, p.Ser103fs (NM_001033024.2); c.202dup, p.Ser68fs (NM_001257990.2); short protein forms S103fs, S182fs, S68fs.
Identifiers: ClinVar variation 2757154 (VCV002757154.3), dbSNP rs2544659214, ClinGen allele CA2656312895.

ClinVar aggregate classification (germline): Pathogenic (1 of 4 stars; one submission).

Conditions:
Parkinsonian-pyramidal syndrome. Also called: PARKINSON DISEASE 15, AUTOSOMAL RECESSIVE; PALLIDOPYRAMIDAL SYNDROME; PARKINSON DISEASE 15, AUTOSOMAL RECESSIVE EARLY-ONSET. Identifiers: Orphanet 171695, MedGen C1850100, MONDO:0009830, OMIM 260300.

Submission:

Labcorp Genetics (formerly Invitae), Labcorp
Classification: Pathogenic for Parkinsonian-pyramidal syndrome. Last evaluated: 2023-09-01. Review status: criteria provided, single submitter. Criteria: Invitae Variant Classification Sherloc (09022015). Collection method: clinical testing. Allele origin: germline.
Comment: For these reasons, this variant has been classified as Pathogenic. This variant has not been reported in the literature in individuals affected with FBXO7-related conditions. This variant is not present in population databases (gnomAD no frequency). This sequence change creates a premature translational stop signal (p.Ser182Phefs*10) in the FBXO7 gene. It is expected to result in an absent or disrupted protein product. Loss-of-function variants in FBXO7 are known to be pathogenic (PMID: 21347293).

Literature cited by the submitters: PubMed 21347293.